The following is an entry in ClinVar:

NM_174936.4(PCSK9):c.1863G>A (p.Gln621=)

Gene: PCSK9 (proprotein convertase subtilisin/kexin type 9; plus strand). Cytogenetic location: 1p32.3.
Variant type: single nucleotide variant.
Coding change: c.1863G>A on transcript NM_174936.4 (MANE Select); coding-DNA position 1863, G replaced by A.
Protein change: p.Gln621=; no amino-acid change (glutamine 621 retained).
Molecular consequence: synonymous variant. On other transcripts: non-coding transcript variant (8).
Genome position (GRCh38, 1-based): chr1:55,061,556, G>A. VCF-style: chr1-55061556-G-A. GRCh37 (hg19) VCF-style: chr1-55527229-G-A.
Other names: c.1986G>A, p.Gln662= (NM_001407240.1); c.1905G>A, p.Gln635= (NM_001407241.1); c.1866G>A, p.Gln622= (NM_001407242.1); c.1806G>A, p.Gln602= (NM_001407243.1); c.1689G>A, p.Gln563= (NM_001407244.1); c.1671G>A, p.Gln557= (NM_001407245.1); c.1488G>A, p.Gln496= (NM_001407246.1); c.1362G>A, p.Gln454= (NM_001407247.1).
Identifiers: ClinVar variation 3074783 (VCV003074783.1), dbSNP rs2523278948, ClinGen allele CA417960583.

ClinVar aggregate classification (germline): Uncertain significance (1 of 4 stars; one submission).

Conditions:
Hypercholesterolemia, autosomal dominant, 3 (FHCL3). Also called: Familial Hypercholesterolemia, Autosomal Dominant, 3; PCSK9-Related Familial Hypercholesterolemia, Autosomal Dominant; Familial hypercholesterolemia 3. Identifiers: MedGen C1863551, MONDO:0011369, OMIM 603776.

Submission:

All of Us Research Program, National Institutes of Health
Classification: Uncertain significance for Hypercholesterolemia, autosomal dominant, 3. Last evaluated: 2023-12-13. Review status: criteria provided, single submitter. Criteria: ACMG Guidelines, 2015. Collection method: clinical testing. Allele origin: germline. Inheritance: Autosomal dominant inheritance. Observed: 1 variant allele, 1 heterozygote.
Comment: This variant is located in the PCSK9 protein. To our knowledge, functional studies have not been reported for this variant. This variant has not been reported in individuals affected with PCSK9-related disorders in the literature. This variant has not been identified in the general population by the Genome Aggregation Database (gnomAD). The available evidence is insufficient to determine the role of this variant in disease conclusively. Therefore, this variant is classified as a Variant of Uncertain Significance.

This study involves interpretation of variants in research participants for the purpose of population health screening. Participant phenotype was not available at the time of variant classification. Additional details can be found in publication PMID: 35346344, PMCID: PMC8962531